The following is an entry in ClinVar:

ClinVar aggregate classification (germline): Uncertain significance (1 of 4 stars; one submission).

Conditions:
Ullrich congenital muscular dystrophy 2 (UCMD2). Identifiers: Orphanet 75840, MedGen C4225314, MONDO:0014654, OMIM 616470.
Bethlem myopathy 2 (BTHLM2). Identifiers: Orphanet 536516, Orphanet 610, MedGen C4225313, MONDO:0034022, OMIM 616471.

Submission:

Labcorp Genetics (formerly Invitae), Labcorp
Classification: Uncertain significance for Bethlem myopathy 2; Ullrich congenital muscular dystrophy 2. Last evaluated: 2023-02-25. Review status: criteria provided, single submitter. Criteria: Invitae Variant Classification Sherloc (09022015). Collection method: clinical testing. Allele origin: germline.
Comment: In summary, the available evidence is currently insufficient to determine the role of this variant in disease. Therefore, it has been classified as a Variant of Uncertain Significance. Experimental studies and prediction algorithms are not available or were not evaluated, and the effect of this variant on mRNA splicing is currently unknown. This variant has not been reported in the literature in individuals affected with COL12A1-related conditions. Information on the frequency of this variant in the gnomAD database is not available, as this variant may be reported differently in the database. This sequence change falls in intron 27 of the COL12A1 gene. It does not directly change the encoded amino acid sequence of the COL12A1 protein.

NM_004370.6(COL12A1):c.4957+11_4957+12inv

Gene: COL12A1 (collagen type XII alpha 1 chain; minus strand). Cytogenetic location: 6q13.
Variant type: Inversion.
Coding change: c.4957+11_4957+12inv on transcript NM_004370.6 (MANE Select).
Molecular consequence: intron variant.
Genome position: GRCh38 VCF-style: chr6-75142020-AG-CT. GRCh37 (hg19) VCF-style: chr6-75851736-AG-CT.
Other names: c.1465+11_1465+12inv (NM_001424116.1, NM_080645.3); c.4684+11_4684+12inv (NM_001424115.1); c.4957+11_4957+12inv (NM_001424114.1, NM_001424113.1).
Identifiers: ClinVar variation 2943827 (VCV002943827.3), ClinGen allele CA2740091444.
Genomic context (GRCh38, chr6:75,142,020, plus strand): 5'-CCCAGTAAATTGTGTTACACATGCATGTAAAGTGTTGTTTCCCATTATCAGTGGAGCAGG[AG>CT]CACAACTCACGGGTAGTTTCTTGAGCAGTCACTGGAGGAGACTCCCCCTCGTCATGTACT-3'